The following is an entry in ClinVar:

NM_001360016.2(G6PD):c.185C>A (p.Pro62His)

Gene: G6PD (glucose-6-phosphate dehydrogenase; minus strand). Cytogenetic location: Xq28.
Variant type: single nucleotide variant.
Coding change: c.185C>A on transcript NM_001360016.2 (MANE Select); coding-DNA position 185, C replaced by A.
Protein change: p.Pro62His; replaces proline 62 with histidine.
Molecular consequence: missense variant.
Genome position (GRCh38, 1-based): chrX:154,536,019, G>T on the plus strand (C>A on the coding strand, the complement: G6PD is on the minus strand). VCF-style: chrX-154536019-G-T. GRCh37 (hg19) VCF-style: chrX-153764234-G-T.
Other names: G6PD Amazonia; c.275C>A, p.Pro92His (NM_000402.4); c.185C>A, p.Pro62His (NM_001042351.3); short protein forms P62H, P92H.
Identifiers: ClinVar variation 1722707 (VCV001722707.2), dbSNP rs2523272874, ClinGen allele CA415239911.

ClinVar aggregate classification (germline): Likely pathogenic (1 of 4 stars; one submission).

Conditions:
Anemia, nonspherocytic hemolytic, due to G6PD deficiency (CNSHA1). Also called: Hemolytic anemia due to G6PD deficiency; Class I glucose-6-phosphate dehydrogenase deficiency; Favism, susceptibility to; ANEMIA, CONGENITAL, NONSPHEROCYTIC HEMOLYTIC, 1. Identifiers: Orphanet 466026, MedGen C2720289, MONDO:0010480, OMIM 300908.

Submission:

Dunham Lab, University of Washington
Classification: Likely pathogenic for Anemia, nonspherocytic hemolytic, due to G6PD deficiency. Last evaluated: 2022-08-12. Review status: criteria provided, single submitter. Criteria: Bayesian ACMG Guidelines, 2018. Collection method: curation. Allele origin: unknown. Affected: yes.
Comment: Decreased activity in red blood cells of hemizygote (18%) (PS3). Not observed in gnomAD (PM2). Post_P 0.949 (odds of pathogenicity 168.4, Prior_P 0.1).

Literature cited by the submitters: PubMed 12367584.